The following is an entry in ClinVar:

ClinVar aggregate classification (germline): Pathogenic (1 of 4 stars; one submission).

Conditions:
Short-rib thoracic dysplasia 14 with polydactyly (SRTD14). Identifiers: Orphanet 397715, MedGen C4225286, MONDO:0014688, OMIM 616546.
Joubert syndrome 23 (JBTS23). Identifiers: Orphanet 475, MedGen C4084822, MONDO:0014664, OMIM 616490.

Allele frequency attached by ClinVar (database versions not stated): gnomAD 0.00003; gnomAD exomes below 0.00001; TOPMed below 0.00001.

Submission:

Labcorp Genetics (formerly Invitae), Labcorp
Classification: Pathogenic for Joubert syndrome 23; Short-rib thoracic dysplasia 14 with polydactyly. Last evaluated: 2025-04-30. Review status: criteria provided, single submitter. Criteria: Invitae Variant Classification Sherloc (09022015). Collection method: clinical testing. Allele origin: germline.
Comment: This sequence change creates a premature translational stop signal (p.Met1456Lysfs*12) in the KIAA0586 gene. It is expected to result in an absent or disrupted protein product. Loss-of-function variants in KIAA0586 are known to be pathogenic (PMID: 26096313, 26166481, 26386044). This variant is present in population databases (no rsID available, gnomAD 0.009%). This variant has not been reported in the literature in individuals affected with KIAA0586-related conditions. ClinVar contains an entry for this variant (Variation ID: 2161333). For these reasons, this variant has been classified as Pathogenic.

Literature cited by the submitters: PubMed 26096313; PubMed 26166481; PubMed 26386044.

NM_001329943.3(KIAA0586):c.4208_4209del (p.Met1403fs)

Gene: KIAA0586 (KIAA0586; plus strand). Cytogenetic location: 14q23.1.
Variant type: Deletion.
Coding change: c.4208_4209del on transcript NM_001329943.3 (MANE Select); coding-DNA positions 4208 to 4209, 2 bases deleted (TG; older notation c.4208_4209delTG).
Protein change: p.Met1403fs; shifts the reading frame from methionine 1403.
Molecular consequence: frameshift variant.
Genome position (GRCh38, 1-based): chr14:58,508,594-58,508,595, TG deleted. VCF-style (leftmost placement, unchanged base first): chr14-58508593-ATG-A. GRCh37 (hg19) VCF-style: chr14-58975311-ATG-A.
Other names: c.4367_4368del, p.Met1456fs (NM_001244189.2); c.3953_3954del, p.Met1318fs (NM_001364700.1, NM_001364701.2, NM_001244191.2 and 1 more transcripts); c.3980_3981del, p.Met1327fs (NM_014749.5); c.4163_4164del, p.Met1388fs (NM_001244190.2); c.4076_4077del, p.Met1359fs (NM_001244192.2, NM_001329947.2); c.3788_3789del, p.Met1263fs (NM_001244193.2); c.4208_4209del, p.Met1403fs (NM_001329944.2, NM_001329946.2); short protein forms M1456fs, M1359fs, M1388fs, M1403fs, M1327fs, M1263fs, M1318fs.
Identifiers: ClinVar variation 2161333 (VCV002161333.4), dbSNP rs1432780165, ClinGen allele CA614529659.